The following is an entry in ClinVar:

ClinVar aggregate classification (germline): Uncertain significance (1 of 4 stars; one submission).

Allele frequency attached by ClinVar (database versions not stated): gnomAD exomes below 0.00001 and 0.00001; TOPMed below 0.00001.

Submission:

Labcorp Genetics (formerly Invitae), Labcorp
Classification: Uncertain significance. Last evaluated: 2021-11-19. Review status: criteria provided, single submitter. Criteria: Invitae Variant Classification Sherloc (09022015). Collection method: clinical testing. Allele origin: germline.
Comment: In summary, the available evidence is currently insufficient to determine the role of this variant in disease. Therefore, it has been classified as a Variant of Uncertain Significance. Algorithms developed to predict the effect of missense changes on protein structure and function (SIFT, PolyPhen-2, Align-GVGD) all suggest that this variant is likely to be tolerated. This missense change has been observed in individual(s) with clinical features of dyslipidemia (PMID: 32041611). This variant is present in population databases (no rsID available, gnomAD no frequency). This sequence change replaces leucine, which is neutral and non-polar, with proline, which is neutral and non-polar, at codon 409 of the LCAT protein (p.Leu409Pro).

Literature cited by the submitters: PubMed 32041611.

NM_000229.2(LCAT):c.1226T>C (p.Leu409Pro)

Gene: LCAT (lecithin-cholesterol acyltransferase; minus strand). Cytogenetic location: 16q22.1.
Variant type: single nucleotide variant.
Coding change: c.1226T>C on transcript NM_000229.2 (MANE Select); coding-DNA position 1226, T replaced by C.
Protein change: p.Leu409Pro; replaces leucine 409 with proline.
Molecular consequence: missense variant.
Genome position (GRCh38, 1-based): chr16:67,940,001, A>G on the plus strand (T>C on the coding strand, the complement: LCAT is on the minus strand). VCF-style: chr16-67940001-A-G. GRCh37 (hg19) VCF-style: chr16-67973904-A-G.
Other names: short protein forms L409P.
Identifiers: ClinVar variation 1525388 (VCV001525388.6), dbSNP rs1343203166, ClinGen allele CA396375421.